The following is an entry in ClinVar:

NM_001206927.2(DNAH8):c.10335G>A (p.Trp3445Ter)

Genes: DNAH8 (dynein axonemal heavy chain 8; plus strand), DNAH8-AS1 (DNAH8 antisense RNA 1; minus strand). Cytogenetic location: 6p21.2.
Variant type: single nucleotide variant.
Coding change: c.10335G>A on transcript NM_001206927.2 (MANE Select); coding-DNA position 10335, G replaced by A.
Protein change: p.Trp3445Ter; replaces tryptophan 3445 with a stop codon.
Molecular consequence: nonsense.
Genome position (GRCh38, 1-based): chr6:38,917,951, G>A. VCF-style: chr6-38917951-G-A. GRCh37 (hg19) VCF-style: chr6-38885727-G-A.
Other names: c.9684G>A, p.Trp3228Ter (NM_001371.4); short protein forms W3445*, W3228*.
Identifiers: ClinVar variation 525318 (VCV000525318.7), dbSNP rs1437893220, ClinGen allele CA364008540.

ClinVar aggregate classification (germline): Pathogenic (1 of 4 stars; one submission).

Conditions:
Primary ciliary dyskinesia. Also called: Ciliary dyskinesia. Identifiers: Orphanet 244, MedGen C0008780, MONDO:0016575, HP:0012265.

Allele frequency attached by ClinVar (database versions not stated): gnomAD 0.00001; gnomAD exomes 0.00002; TOPMed 0.00002.
gnomAD v4.1: 11 of 1,612,992 alleles (0.00068%); highest among the groups gnomAD compares: East Asian, 0.022%; 1 homozygote.

Submission:

Labcorp Genetics (formerly Invitae), Labcorp
Classification: Pathogenic for Primary ciliary dyskinesia. Last evaluated: 2017-12-13. Review status: criteria provided, single submitter. Criteria: Invitae Variant Classification Sherloc (09022015). Collection method: clinical testing. Allele origin: germline.
Comment: This sequence change creates a premature translational stop signal (p.Trp3445*) in the DNAH8 gene. It is expected to result in an absent or disrupted protein product. This variant is not present in population databases (ExAC no frequency). This variant has not been reported in the literature in individuals with DNAH8-related disease. Loss-of-function variants in DNAH8 are known to be pathogenic (PMID: 24307375). For these reasons, this variant has been classified as Pathogenic.

Literature cited by the submitters: PubMed 24307375.